The following is an entry in ClinVar:

ClinVar aggregate classification (germline): Uncertain significance (1 of 4 stars; one submission).

Conditions:
Isolated microphthalmia 5. Also called: Posterior Microphthalmia with Retinitis Pigmentosa, Foveoschisis, and Optic Disc Drusen. Identifiers: Orphanet 251279, MedGen C1970236, MONDO:0012605, OMIM 611040.

Allele frequency attached by ClinVar (database versions not stated): ExAC 0.00002; gnomAD 0.00004; gnomAD exomes below 0.00001; TOPMed 0.00002; 1000 Genomes Project 30x 0.00016; 1000 Genomes Project 0.00020.
gnomAD v4.1: 11 of 1,614,038 alleles (0.00068%); highest among the groups gnomAD compares: African/African-American, 0.015%; no homozygotes.

Submission:

Labcorp Genetics (formerly Invitae), Labcorp
Classification: Uncertain significance for Isolated microphthalmia 5. Last evaluated: 2022-07-28. Review status: criteria provided, single submitter. Criteria: Invitae Variant Classification Sherloc (09022015). Collection method: clinical testing. Allele origin: germline.
Comment: This sequence change affects codon 168 of the MFRP mRNA. It is a 'silent' change, meaning that it does not change the encoded amino acid sequence of the MFRP protein. This variant is present in population databases (rs540751225, gnomAD 0.02%). This variant has not been reported in the literature in individuals affected with MFRP-related conditions. Algorithms developed to predict the effect of sequence changes on RNA splicing suggest that this variant may create or strengthen a splice site. In summary, the available evidence is currently insufficient to determine the role of this variant in disease. Therefore, it has been classified as a Variant of Uncertain Significance.

NM_031433.4(MFRP):c.504C>T (p.Thr168=)

Genes: C1QTNF5 (C1q and TNF related 5; minus strand), MFRP (membrane frizzled-related protein; minus strand). Cytogenetic location: 11q23.3.
Variant type: single nucleotide variant.
Coding change: c.504C>T on transcript NM_031433.4 (MANE Select); coding-DNA position 504, C replaced by T.
Protein change: p.Thr168=; no amino-acid change (threonine 168 retained).
Molecular consequence: synonymous variant. On other transcripts: 5 prime UTR variant (1).
Genome position (GRCh38, 1-based): chr11:119,345,557, G>A on the plus strand (C>T on the coding strand, the complement: MFRP is on the minus strand). VCF-style: chr11-119345557-G-A. GRCh37 (hg19) VCF-style: chr11-119216267-G-A.
Other names: c.-2133C>T (NM_015645.5).
Identifiers: ClinVar variation 2177604 (VCV002177604.3), dbSNP rs540751225, ClinGen allele CA6320522.